The following is an entry in ClinVar:

NM_001364905.1(LRBA):c.1817A>G (p.Asn606Ser)

Gene: LRBA (LPS responsive beige-like anchor protein; minus strand). Cytogenetic location: 4q31.3.
Variant type: single nucleotide variant.
Coding change: c.1817A>G on transcript NM_001364905.1 (MANE Select); coding-DNA position 1817, A replaced by G.
Protein change: p.Asn606Ser; replaces asparagine 606 with serine.
Molecular consequence: missense variant.
Genome position (GRCh38, 1-based): chr4:150,900,156, T>C on the plus strand (A>G on the coding strand, the complement: LRBA is on the minus strand). VCF-style: chr4-150900156-T-C. GRCh37 (hg19) VCF-style: chr4-151821308-T-C.
Other names: c.1817A>G, p.Asn606Ser (NM_001199282.3, NM_001367550.1, NM_006726.5); short protein forms N606S.
Identifiers: ClinVar variation 1415996 (VCV001415996.6), dbSNP rs1361489633, ClinGen allele CA358430238.

ClinVar aggregate classification (germline): Uncertain significance (1 of 4 stars; one submission).

Conditions:
Combined immunodeficiency due to LRBA deficiency. Also called: Common variable immunodeficiency 8, with autoimmunity. Identifiers: Orphanet 445018, MedGen C3553512, MONDO:0013863, OMIM 614700.

Allele frequency attached by ClinVar (database versions not stated): gnomAD exomes below 0.00001.
gnomAD v4.1: 1 of 1,612,662 alleles (0.000062%); highest among the groups gnomAD compares: Non-Finnish European, 0.000085%; no homozygotes.

Submission:

Labcorp Genetics (formerly Invitae), Labcorp
Classification: Uncertain significance for Combined immunodeficiency due to LRBA deficiency. Last evaluated: 2021-09-12. Review status: criteria provided, single submitter. Criteria: Invitae Variant Classification Sherloc (09022015). Collection method: clinical testing. Allele origin: germline.
Comment: In summary, the available evidence is currently insufficient to determine the role of this variant in disease. Therefore, it has been classified as a Variant of Uncertain Significance. This sequence change replaces asparagine with serine at codon 606 of the LRBA protein (p.Asn606Ser). The asparagine residue is weakly conserved and there is a small physicochemical difference between asparagine and serine. This variant is not present in population databases (ExAC no frequency). This variant has not been reported in the literature in individuals affected with LRBA-related conditions. Algorithms developed to predict the effect of missense changes on protein structure and function are either unavailable or do not agree on the potential impact of this missense change (SIFT: "Tolerated"; PolyPhen-2: "Probably Damaging"; Align-GVGD: "Class C0").